The following is an entry in ClinVar:

NM_001009944.3(PKD1):c.6070C>T (p.Arg2024Cys)

Gene: PKD1 (polycystin 1, transient receptor potential channel interacting; minus strand). Cytogenetic location: 16p13.3.
Variant type: single nucleotide variant.
Coding change: c.6070C>T on transcript NM_001009944.3 (MANE Select); coding-DNA position 6070, C replaced by T.
Protein change: p.Arg2024Cys; replaces arginine 2024 with cysteine.
Molecular consequence: missense variant.
Genome position (GRCh38, 1-based): chr16:2,109,097, G>A on the plus strand (C>T on the coding strand, the complement: PKD1 is on the minus strand). VCF-style: chr16-2109097-G-A. GRCh37 (hg19) VCF-style: chr16-2159098-G-A.
Other names: c.6070C>T, p.Arg2024Cys (NM_000296.4); short protein forms R2024C.
Identifiers: ClinVar variation 2581821 (VCV002581821.23), dbSNP rs199943712, ClinGen allele CA7831739.
Genomic context (GRCh38, chr16:2,109,097, plus strand): 5'-TGAAGGCGCGCACCTGGATCTCCAACAGCCCCGCGGCCACGGGCGTGTAGGTGACGTCGC[G>A]GCCCGACAGGATGACCAGCGAGTCGCCCTGGACCTTCTGCAGCGAGAAGTACCAGGCGTA-3'
Protein context (NP_001009944.3, residues 2014-2034): QGDSLVILSG[Arg2024Cys]DVTYTPVAAG

ClinVar aggregate classification (germline): Conflicting classifications of pathogenicity. Review status: criteria provided, conflicting classifications (1 of 4 stars). 3 submissions from 3 submitters: Likely pathogenic (1); Uncertain significance (2). Last evaluated 2024-04-18.

Conditions:
Polycystic kidney disease, adult type (PKD1). Also called: Polycystic Kidney Disease 1, Autosomal Dominant; Polycystic kidney disease 1; Polycystic kidney disease 1, severe; Polycystic Kidney, Autosomal Dominant; POLYCYSTIC KIDNEY DISEASE, ADULT, TYPE I; POLYCYSTIC KIDNEY DISEASE 1 WITH OR WITHOUT POLYCYSTIC LIVER DISEASE. Identifiers: MedGen C3149841, MONDO:0008263, OMIM 173900.

Allele frequency attached by ClinVar (database versions not stated): gnomAD 0.00005; TOPMed 0.00010; 1000 Genomes Project 30x 0.00016; 1000 Genomes Project 0.00020.
gnomAD v4.1: 38 of 1,603,232 alleles (0.0024%); highest among the groups gnomAD compares: East Asian, 0.013%; no homozygotes.

Submissions (3):

Fulgent Genetics
Classification: Likely pathogenic for Polycystic kidney disease, adult type. Last evaluated: 2024-04-18. Review status: criteria provided, single submitter. Criteria: ACMG Guidelines, 2015. Collection method: clinical testing. Allele origin: germline.

CeGaT Center for Human Genetics Tuebingen
Classification: Uncertain significance. Last evaluated: 2024-03-01. Review status: criteria provided, single submitter. Criteria: CeGaT Center For Human Genetics Tuebingen Variant Classification Criteria Version 2. Collection method: clinical testing. Allele origin: germline. Affected: yes. Observed: 1 variant allele.

GeneDx
Classification: Uncertain significance. Last evaluated: 2023-03-28. Review status: criteria provided, single submitter. Criteria: GeneDx Variant Classification Process June 2021. Collection method: clinical testing. Allele origin: germline. Affected: yes.
Comment: In silico analysis supports that this missense variant has a deleterious effect on protein structure/function; This variant is associated with the following publications: (PMID: 25646624, 26632257)